The following is an entry in ClinVar:

ClinVar aggregate classification (germline): Uncertain significance (1 of 4 stars; one submission).

Conditions:
Combined immunodeficiency due to STIM1 deficiency. Also called: STIM1 DEFICIENCY; IMMUNODEFICIENCY 10. Identifiers: Orphanet 169090, Orphanet 317430, MedGen C2748557, MONDO:0013008, OMIM 612783.
Stormorken syndrome (STRMK). Also called: THROMBOCYTOPATHY, ASPLENIA, AND MIOSIS. Identifiers: Orphanet 3204, MedGen C1861451, MONDO:0008497, OMIM 185070.
Myopathy with tubular aggregates (TAM). Also called: Tubular Aggregate Myopathy. Identifiers: Orphanet 2593, MedGen C0410207, MONDO:0008051.

Submission:

Labcorp Genetics (formerly Invitae), Labcorp
Classification: Uncertain significance for Myopathy with tubular aggregates; Combined immunodeficiency due to STIM1 deficiency; Stormorken syndrome. Last evaluated: 2022-10-16. Review status: criteria provided, single submitter. Criteria: Invitae Variant Classification Sherloc (09022015). Collection method: clinical testing. Allele origin: germline.
Comment: This variant results in a copy number gain of the genomic region encompassing exon(s) 12 of the STIM1 gene. This region includes the termination codon of the gene. This copy number gain extends beyond the assayed region for this gene and therefore may encompass additional genes. As the precise location of this event is unknown, it may be in tandem or it may be located elsewhere in the genome. This variant has not been reported in the literature in individuals affected with STIM1-related conditions. Experimental studies and prediction algorithms are not available or were not evaluated, and the functional significance of this variant is currently unknown. In summary, the available evidence is currently insufficient to determine the role of this variant in disease. Therefore, it has been classified as a Variant of Uncertain Significance.

NC_000011.9:g.(?_4112492)_(4113028_?)dup

Gene: STIM1 (stromal interaction molecule 1; plus strand). Cytogenetic location: 11p15.4.
Variant type: Duplication.
Identifiers: ClinVar variation 2424637 (VCV002424637.4).